The following is an entry in ClinVar:

NM_000246.4(CIITA):c.1572C>T (p.Ser524=)

Gene: CIITA (class II major histocompatibility complex transactivator; plus strand). Cytogenetic location: 16p13.13.
Variant type: single nucleotide variant.
Coding change: c.1572C>T on transcript NM_000246.4 (MANE Select); coding-DNA position 1572, C replaced by T.
Protein change: p.Ser524=; no amino-acid change (serine 524 retained).
Molecular consequence: synonymous variant. On other transcripts: intron variant (1).
Genome position (GRCh38, 1-based): chr16:10,907,064, C>T. VCF-style: chr16-10907064-C-T. GRCh37 (hg19) VCF-style: chr16-11000921-C-T.
Other names: c.1575C>T, p.Ser525= (NM_001286402.1, NM_001379332.1); c.1428C>T, p.Ser476= (NM_001379330.1); c.1425C>T, p.Ser475= (NM_001379331.1); c.1572C>T, p.Ser524= (NM_001379333.1); c.1503C>T, p.Ser501= (NM_001379334.1); c.860-1919C>T (NM_001286403.2).
Identifiers: ClinVar variation 528787 (VCV000528787.15), dbSNP rs745753805, ClinGen allele CA7900174.

ClinVar aggregate classification (germline): Likely benign. Review status: criteria provided, multiple submitters, no conflicts (2 of 4 stars). 4 submissions from 4 submitters: Likely benign (3). 1 of the submissions does not count toward it. Last evaluated 2025-11-10.

Conditions:
MHC class II deficiency. Also called: Bare lymphocyte syndrome 2; BLS, TYPE II. Identifiers: Orphanet 572, MedGen C5447452, MONDO:0008855.
CIITA-related disorder. Also called: CIITA-related condition.

Allele frequency attached by ClinVar (database versions not stated): gnomAD 0.00009 and 0.00007; TOPMed 0.00011.
gnomAD v4.1: 85 of 1,607,308 alleles (0.0053%); highest among the groups gnomAD compares: Admixed American, 0.033%; no homozygotes.

Submissions (4):

Labcorp Genetics (formerly Invitae), Labcorp
Classification: Likely benign for MHC class II deficiency. Last evaluated: 2025-11-10. Review status: criteria provided, single submitter. Criteria: Invitae Variant Classification Sherloc (09022015). Collection method: clinical testing. Allele origin: germline.

Blueprint Genetics
Classification: Likely benign. Last evaluated: 2023-12-14. Review status: criteria provided, single submitter. Criteria: ACMG Guidelines, 2015. Collection method: clinical testing. Allele origin: germline.

Breakthrough Genomics
Classification: Likely benign. Review status: criteria provided, single submitter. Criteria: ACMG Guidelines, 2015. Collection method: not provided. Allele origin: germline. Inheritance: Autosomal recessive inheritance. Affected: yes.

PreventionGenetics, part of Exact Sciences
Classification: Likely benign for CIITA-related condition. Last evaluated: 2019-02-26. Review status: no assertion criteria provided. Collection method: clinical testing. Allele origin: germline. Not counted in ClinVar's aggregate classification.
Comment: This variant is classified as likely benign based on ACMG/AMP sequence variant interpretation guidelines (Richards et al. 2015 PMID: 25741868, with internal and published modifications).